The following is an entry in ClinVar:

ClinVar aggregate classification (germline): Uncertain significance (1 of 4 stars; one submission).

gnomAD v4.1: 8 of 1,613,144 alleles (0.0005%); highest among the groups gnomAD compares: African/African-American, 0.0027%; no homozygotes.

Submission:

Labcorp Genetics (formerly Invitae), Labcorp
Classification: Uncertain significance. Last evaluated: 2024-08-14. Review status: criteria provided, single submitter. Criteria: Invitae Variant Classification Sherloc (09022015). Collection method: clinical testing. Allele origin: germline.
Comment: This sequence change replaces aspartic acid, which is acidic and polar, with asparagine, which is neutral and polar, at codon 259 of the TAOK2 protein (p.Asp259Asn). This variant is present in population databases (no rsID available, gnomAD 0.01%). This variant has not been reported in the literature in individuals affected with TAOK2-related conditions. An algorithm developed to predict the effect of missense changes on protein structure and function (PolyPhen-2) suggests that this variant is likely to be tolerated. In summary, the available evidence is currently insufficient to determine the role of this variant in disease. Therefore, it has been classified as a Variant of Uncertain Significance.

NM_016151.4(TAOK2):c.775G>A (p.Asp259Asn)

Gene: TAOK2 (TAO kinase 2; plus strand). Cytogenetic location: 16p11.2.
Variant type: single nucleotide variant.
Coding change: c.775G>A on transcript NM_016151.4 (MANE Select); coding-DNA position 775, G replaced by A.
Protein change: p.Asp259Asn; replaces aspartic acid 259 with asparagine.
Molecular consequence: missense variant.
Genome position (GRCh38, 1-based): chr16:29,981,884, G>A. VCF-style: chr16-29981884-G-A. GRCh37 (hg19) VCF-style: chr16-29993205-G-A.
Other names: c.775G>A, p.Asp259Asn (NM_001252043.2, NM_004783.4); short protein forms D259N.
Identifiers: ClinVar variation 3680240 (VCV003680240.2).